The following is an entry in ClinVar:

NM_001005242.3(PKP2):c.1528A>G (p.Ile510Val)

Gene: PKP2 (plakophilin 2; minus strand). Cytogenetic location: 12p11.21.
Variant type: single nucleotide variant.
Coding change: c.1528A>G on transcript NM_001005242.3 (MANE Select); coding-DNA position 1528, A replaced by G.
Protein change: p.Ile510Val; replaces isoleucine 510 with valine.
Molecular consequence: missense variant.
Genome position (GRCh38, 1-based): chr12:32,841,056, T>C on the plus strand (A>G on the coding strand, the complement: PKP2 is on the minus strand). VCF-style: chr12-32841056-T-C. GRCh37 (hg19) VCF-style: chr12-32993990-T-C.
Other names: c.1660A>G, p.Ile554Val (NM_004572.4); short protein forms I554V, I510V.
Identifiers: ClinVar variation 45037 (VCV000045037.24), dbSNP rs397517002, ClinGen allele CA011277.

ClinVar aggregate classification (germline): Uncertain significance. Review status: criteria provided, multiple submitters, no conflicts (2 of 4 stars). 7 submissions from 7 submitters: Uncertain significance (7). Last evaluated 2026-09-01.

Conditions:
Cardiovascular phenotype. Identifiers: MedGen CN230736.
Arrhythmogenic right ventricular dysplasia 9 (ARVD9). Also called: Arrhythmogenic Right Ventricular Dysplasia/Cardiomyopathy 9; ARRHYTHMOGENIC RIGHT VENTRICULAR DYSPLASIA, FAMILIAL, 9. Identifiers: MedGen C1836906, MONDO:0012180, OMIM 609040.
Arrhythmogenic right ventricular cardiomyopathy (ARVD). Also called: Arrhythmogenic cardiomyopathy; Arrhythmogenic Right Ventricular Cardiomyopathy (ARVC); Cardiomyopathy, ARVC; Arrhythmogenic right ventricular dysplasia. Identifiers: Orphanet 247, MedGen C0349788, MeSH D019571, MONDO:0016587. Disease mechanism: loss of function. Inheritance: Various modes of inheritance.
Cardiomyopathy (CMYO). Also called: Cardiomyopathies. Identifiers: Orphanet 167848, MedGen C0878544, MONDO:0004994, HP:0001638. Inheritance: Various modes of inheritance.

Allele frequency attached by ClinVar (database versions not stated): gnomAD exomes 0.00003 and 0.00004; TOPMed 0.00001; ExAC 0.00003.
gnomAD v4.1: 70 of 1,613,752 alleles (0.0043%); highest among the groups gnomAD compares: Non-Finnish European, 0.0048%; no homozygotes.

Submissions (7):

Ambry Genetics
Classification: Uncertain significance for Cardiovascular phenotype. Last evaluated: 2026-09-01. Review status: criteria provided, single submitter. Criteria: Ambry Variant Classification Scheme 2023. Collection method: clinical testing. Allele origin: germline.

Color Diagnostics, LLC DBA Color Health
Classification: Uncertain significance for Cardiomyopathy. Last evaluated: 2025-07-10. Review status: criteria provided, single submitter. Criteria: ACMG Guidelines, 2015. Collection method: clinical testing. Allele origin: germline.
Comment: This missense variant replaces isoleucine with valine at codon 554 of the PKP2 protein. Computational prediction suggests that this variant may not impact protein structure and function. To our knowledge, functional studies have not been reported for this variant. This variant has not been reported in individuals affected with PKP2-related disorders in the literature. This variant has been identified in 7/251222 chromosomes in the general population by the Genome Aggregation Database (gnomAD). The available evidence is insufficient to determine the role of this variant in disease conclusively. Therefore, this variant is classified as a Variant of Uncertain Significance.

Labcorp Genetics (formerly Invitae), Labcorp
Classification: Uncertain significance for Arrhythmogenic right ventricular dysplasia 9. Last evaluated: 2025-02-18. Review status: criteria provided, single submitter. Criteria: Invitae Variant Classification Sherloc (09022015). Collection method: clinical testing. Allele origin: germline.
Comment: This sequence change replaces isoleucine, which is neutral and non-polar, with valine, which is neutral and non-polar, at codon 554 of the PKP2 protein (p.Ile554Val). This variant is present in population databases (rs397517002, gnomAD 0.01%). This variant has not been reported in the literature in individuals affected with PKP2-related conditions. ClinVar contains an entry for this variant (Variation ID: 45037). An algorithm developed to predict the effect of missense changes on protein structure and function (PolyPhen-2) suggests that this variant is likely to be disruptive. In summary, the available evidence is currently insufficient to determine the role of this variant in disease. Therefore, it has been classified as a Variant of Uncertain Significance.

All of Us Research Program, National Institutes of Health
Classification: Uncertain significance for Arrhythmogenic right ventricular cardiomyopathy. Last evaluated: 2023-08-08. Review status: criteria provided, single submitter. Criteria: ACMG Guidelines, 2015. Collection method: clinical testing. Allele origin: germline. Inheritance: Autosomal dominant inheritance. Observed: 3 variant alleles, 3 heterozygotes.
Comment: This missense variant replaces isoleucine with valine at codon 554 of the PKP2 protein. Computational prediction suggests that this variant may not impact protein structure and function (internally defined REVEL score threshold <= 0.5, PMID: 27666373). To our knowledge, functional studies have not been reported for this variant. This variant has not been reported in individuals affected with cardiovascular disorders in the literature. This variant has been identified in 7/251222 chromosomes in the general population by the Genome Aggregation Database (gnomAD). The available evidence is insufficient to determine the role of this variant in disease conclusively. Therefore, this variant is classified as a Variant of Uncertain Significance.

This study involves interpretation of variants in research participants for the purpose of population health screening. Participant phenotype was not available at the time of variant classification. Additional details can be found in publication PMID: 35346344, PMCID: PMC8962531

GeneDx
Classification: Uncertain significance. Last evaluated: 2019-08-12. Review status: criteria provided, single submitter. Criteria: GeneDx Variant Classification Process June 2021. Collection method: clinical testing. Allele origin: germline. Affected: yes.
Comment: Has not been previously published as pathogenic or benign to our knowledge; Reported in ClinVar as a variant of uncertain significance but additional evidence is not available (ClinVar Variant ID# 45037; Landrum et al., 2016); In silico analysis, which includes protein predictors and evolutionary conservation, supports that this variant does not alter protein structure/function

Illumina Laboratory Services, Illumina
Classification: Uncertain significance for Arrhythmogenic right ventricular dysplasia 9. Last evaluated: 2018-01-13. Review status: criteria provided, single submitter. Criteria: ICSL Variant Classification Criteria 13 December 2019. Collection method: clinical testing. Allele origin: germline.

Laboratory for Molecular Medicine, Mass General Brigham Personalized Medicine
Classification: Uncertain significance. Last evaluated: 2010-01-25. Review status: criteria provided, single submitter. Criteria: LMM Criteria. Collection method: clinical testing. Allele origin: germline. Observed: 1 variant allele.